The following is an entry in ClinVar:

ClinVar aggregate classification (germline): Conflicting classifications of pathogenicity. Review status: criteria provided, conflicting classifications (1 of 4 stars). 3 submissions from 3 submitters: Uncertain significance (1); Benign (1); Likely benign (1). Last evaluated 2025-02-16.

gnomAD v4.1: 62 of 1,614,060 alleles (0.0038%); highest among the groups gnomAD compares: Non-Finnish European, 0.0044%; no homozygotes.

Submissions (3):

Laboratory of Genetics, Children's Clinical University Hospital Latvia
Classification: Benign. Last evaluated: 2025-02-16. Review status: criteria provided, single submitter. Criteria: ACMG Guidelines, 2015. Collection method: clinical testing. Allele origin: germline. Affected: yes.

CeGaT Center for Human Genetics Tuebingen
Classification: Likely benign. Last evaluated: 2025-01-01. Review status: criteria provided, single submitter. Criteria: CeGaT Center For Human Genetics Tuebingen Variant Classification Criteria Version 2. Collection method: clinical testing. Allele origin: germline. Affected: yes. Observed: 1 variant allele.
Comment: SON: BP4

Labcorp Genetics (formerly Invitae), Labcorp
Classification: Uncertain significance. Last evaluated: 2024-12-02. Review status: criteria provided, single submitter. Criteria: Invitae Variant Classification Sherloc (09022015). Collection method: clinical testing. Allele origin: germline.
Comment: This sequence change replaces proline, which is neutral and non-polar, with arginine, which is basic and polar, at codon 1249 of the SON protein (p.Pro1249Arg). This variant is present in population databases (rs767171313, gnomAD 0.01%). This variant has not been reported in the literature in individuals affected with SON-related conditions. ClinVar contains an entry for this variant (Variation ID: 1495602). An algorithm developed to predict the effect of missense changes on protein structure and function (PolyPhen-2) suggests that this variant is likely to be disruptive. In summary, the available evidence is currently insufficient to determine the role of this variant in disease. Therefore, it has been classified as a Variant of Uncertain Significance.

NM_138927.4(SON):c.3746C>G (p.Pro1249Arg)

Gene: SON (SON DNA and RNA binding protein; plus strand). Cytogenetic location: 21q22.11.
Variant type: single nucleotide variant.
Coding change: c.3746C>G on transcript NM_138927.4 (MANE Select); coding-DNA position 3746, C replaced by G.
Protein change: p.Pro1249Arg; replaces proline 1249 with arginine.
Molecular consequence: missense variant. On other transcripts: non-coding transcript variant (1), intron variant (1).
Genome position (GRCh38, 1-based): chr21:33,552,977, C>G. VCF-style: chr21-33552977-C-G. GRCh37 (hg19) VCF-style: chr21-34925283-C-G.
Other names: c.3746C>G, p.Pro1249Arg (NM_001291411.2, NM_032195.3); c.245-4179C>G (NM_001291412.3); short protein forms P1249R.
Identifiers: ClinVar variation 1495602 (VCV001495602.22), dbSNP rs767171313, ClinGen allele CA10009363.
Genomic context (GRCh38, chr21:33,552,977, plus strand): 5'-ATTATTCAGTGTCAGCATCAGATCCCTCAGTTTTAGTATCAGAGGCTGCTGTGACTGTTC[C>G]AGAACCACCACCAGAGCCAGAATCTTCAATTACGTTAACACCTGTAGAGTCTGCAGTAGT-3'
Protein context (NP_620305.3, residues 1239-1259): VLVSEAAVTV[Pro1249Arg]EPPPEPESSI